The following is an entry in ClinVar:

ClinVar aggregate classification (germline): Uncertain significance (1 of 4 stars; one submission).

Conditions:
Early-infantile DEE. Also called: Early infantile epileptic encephalopathy; Early infantile epileptic encephalopathy with suppression bursts; Ohtahara syndrome. Identifiers: Orphanet 1934, MedGen C0393706, MONDO:0800491.

Allele frequency attached by ClinVar (database versions not stated): gnomAD exomes below 0.00001; ExAC 0.00001.
gnomAD v4.1: 6 of 1,614,036 alleles (0.00037%); highest among the groups gnomAD compares: South Asian, 0.0022%; no homozygotes.

Submission:

Labcorp Genetics (formerly Invitae), Labcorp
Classification: Uncertain significance for Early-infantile DEE. Last evaluated: 2025-06-19. Review status: criteria provided, single submitter. Criteria: Invitae Variant Classification Sherloc (09022015). Collection method: clinical testing. Allele origin: germline.
Comment: This sequence change replaces isoleucine, which is neutral and non-polar, with threonine, which is neutral and polar, at codon 1049 of the SPTAN1 protein (p.Ile1049Thr). This variant is present in population databases (rs765788448, gnomAD 0.003%). This variant has not been reported in the literature in individuals affected with SPTAN1-related conditions. ClinVar contains an entry for this variant (Variation ID: 2147143). Invitae Evidence Modeling of protein sequence and biophysical properties (such as structural, functional, and spatial information, amino acid conservation, physicochemical variation, residue mobility, and thermodynamic stability) has been performed for this missense variant. However, the output from this modeling did not meet the statistical confidence thresholds required to predict the impact of this variant on SPTAN1 protein function. In summary, the available evidence is currently insufficient to determine the role of this variant in disease. Therefore, it has been classified as a Variant of Uncertain Significance.

NM_001130438.3(SPTAN1):c.3146T>C (p.Ile1049Thr)

Gene: SPTAN1 (spectrin alpha, non-erythrocytic 1; plus strand). Cytogenetic location: 9q34.11.
Variant type: single nucleotide variant.
Coding change: c.3146T>C on transcript NM_001130438.3 (MANE Select); coding-DNA position 3146, T replaced by C.
Protein change: p.Ile1049Thr; replaces isoleucine 1049 with threonine.
Molecular consequence: missense variant.
Genome position (GRCh38, 1-based): chr9:128,591,616, T>C. VCF-style: chr9-128591616-T-C. GRCh37 (hg19) VCF-style: chr9-131353895-T-C.
Other names: c.3146T>C, p.Ile1049Thr (NM_001195532.2, NM_001363759.2, NM_001363765.2 and 5 more transcripts); c.3182T>C, p.Ile1061Thr (NM_001375312.2, NM_001375318.1); short protein forms I1049T, I1061T.
Identifiers: ClinVar variation 2147143 (VCV002147143.4), dbSNP rs765788448, ClinGen allele CA5264830.